The following is an entry in ClinVar:

NC_012920.1(MT-TL1):m.3263C>T

Gene: MT-TL1 (mitochondrially encoded tRNA leucine 1 (UUA/G); plus strand).
Variant type: single nucleotide variant.
Genome position: chrM-3263-C-T.
Identifiers: ClinVar variation 689863 (VCV000689863.1), dbSNP rs1603218860, ClinGen allele CA913169043.
Genomic context (GRCh38, chrMT:3,263, plus strand): 5'-ACCCACACCCACCCAAGAACAGGGTTTGTTAAGATGGCAGAGCCCGGTAATCGCATAAAA[C>T]TTAAAACTTTACAGTCAGAGGTTCAATTCCTCTTCTTAACAACATACCCATGGCCAACCT-3'

ClinVar aggregate classification (germline): Uncertain significance (1 of 4 stars; one submission).

Conditions:
MELAS syndrome (MELAS). Also called: Juvenile myopathy, encephalopathy, lactic acidosis, stroke. Identifiers: Orphanet 550, MedGen C0162671, MONDO:0010789, OMIM 540000.

Submission:

Wong Mito Lab, Molecular and Human Genetics, Baylor College of Medicine
Classification: Uncertain significance for MELAS syndrome. Last evaluated: 2019-07-12. Review status: criteria provided, single submitter. Criteria: Modified ACMG Guidelines (Unpublished). Collection method: clinical testing. Allele origin: germline.
Comment: The NC_012920.1:m.3263C>T variant in MT-TL1 gene is interpreted to be a Unknown Significance variant based on the modified ACMG guidelines (unpublished). This variant meets the following evidence codes reported in the guidelines: BP4, BP5, PP7

Literature cited by the submitters: PubMed 31965079.